The following is an entry in ClinVar:

NM_173076.3(ABCA12):c.1210C>T (p.Arg404Ter)

Gene: ABCA12 (ATP binding cassette subfamily A member 12; minus strand). Cytogenetic location: 2q35.
Variant type: single nucleotide variant.
Coding change: c.1210C>T on transcript NM_173076.3 (MANE Select); coding-DNA position 1210, C replaced by T.
Protein change: p.Arg404Ter; replaces arginine 404 with a stop codon.
Molecular consequence: nonsense. On other transcripts: non-coding transcript variant (1).
Genome position (GRCh38, 1-based): chr2:215,025,750, G>A on the plus strand (C>T on the coding strand, the complement: ABCA12 is on the minus strand). VCF-style: chr2-215025750-G-A. GRCh37 (hg19) VCF-style: chr2-215890474-G-A.
Other names: c.256C>T, p.Arg86Ter (NM_015657.4); short protein forms R404*, R86*.
Identifiers: ClinVar variation 1385145 (VCV001385145.8), dbSNP rs1458824013, ClinGen allele CA350449124.

ClinVar aggregate classification (germline): Pathogenic. Review status: criteria provided, multiple submitters, no conflicts (2 of 4 stars). 3 submissions from 3 submitters: Pathogenic (3). Last evaluated 2025-05-16.

Conditions:
Lamellar ichthyosis. Identifiers: Orphanet 313, MedGen C5848247, MONDO:0017778.

Allele frequency attached by ClinVar (database versions not stated): gnomAD exomes below 0.00001; TOPMed 0.00001.

Submissions (3):

GeneDx
Classification: Pathogenic. Last evaluated: 2025-05-16. Review status: criteria provided, single submitter. Criteria: GeneDx Variant Classification Process June 2021. Collection method: clinical testing. Allele origin: germline. Affected: yes.
Comment: Nonsense variant predicted to result in protein truncation or nonsense mediated decay in a gene for which loss of function is a known mechanism of disease; Not observed at significant frequency in large population cohorts (gnomAD); This variant is associated with the following publications: (PMID: 26740202)

Labcorp Genetics (formerly Invitae), Labcorp
Classification: Pathogenic. Last evaluated: 2023-09-27. Review status: criteria provided, single submitter. Criteria: Invitae Variant Classification Sherloc (09022015). Collection method: clinical testing. Allele origin: germline.
Comment: ClinVar contains an entry for this variant (Variation ID: 1385145). For these reasons, this variant has been classified as Pathogenic. This variant has not been reported in the literature in individuals affected with ABCA12-related conditions. This variant is present in population databases (no rsID available, gnomAD 0.0009%). This sequence change creates a premature translational stop signal (p.Arg404*) in the ABCA12 gene. It is expected to result in an absent or disrupted protein product. Loss-of-function variants in ABCA12 are known to be pathogenic (PMID: 20672373).

Women's Health and Genetics/Laboratory Corporation of America, LabCorp
Classification: Pathogenic for Lamellar ichthyosis. Last evaluated: 2022-05-25. Review status: criteria provided, single submitter. Criteria: LabCorp Variant Classification Summary - May 2015. Collection method: clinical testing. Allele origin: germline.
Comment: Variant summary: ABCA12 c.1210C>T (p.Arg404X) results in a premature termination codon, predicted to cause a truncation of the encoded protein or absence of the protein due to nonsense mediated decay, which are commonly known mechanisms for disease. Truncations downstream of this position have been classified as pathogenic by our laboratory. The variant allele was found at a frequency of 4e-06 in 251296 control chromosomes. The variant, c.1210C>T, has been reported in the literature in compound heterozygosity together with c.7444C>T (p.Arg2482X) in three siblings affected with Harlequin Ichthyosis (Kun-Darbois_2016). These data indicate that the variant is likely associated with disease. One clinical diagnostic laboratory has submitted clinical-significance assessments for this variant to ClinVar after 2014 without evidence for independent evaluation and classified the variant as pathogenic. Based on the evidence outlined above, the variant was classified as pathogenic.

Literature cited by the submitters: PubMed 20672373 (cited by Labcorp Genetics (formerly Invitae), Labcorp); PubMed 26740202 (cited by Women's Health and Genetics/Laboratory Corporation of America, LabCorp).